The following is an entry in ClinVar:

ClinVar aggregate classification (germline): Uncertain significance (1 of 4 stars; one submission).

Conditions:
Epileptic encephalopathy. Identifiers: MedGen C0543888, HP:0200134.

Allele frequency attached by ClinVar (database versions not stated): gnomAD exomes below 0.00001; TOPMed below 0.00001.
gnomAD v4.1: 1 of 1,600,930 alleles (0.000062%); highest among the groups gnomAD compares: Non-Finnish European, 0.000085%; no homozygotes.

Submission:

Labcorp Genetics (formerly Invitae), Labcorp
Classification: Uncertain significance for Epileptic encephalopathy. Last evaluated: 2019-05-08. Review status: criteria provided, single submitter. Criteria: Invitae Variant Classification Sherloc (09022015). Collection method: clinical testing. Allele origin: germline.
Comment: In summary, the available evidence is currently insufficient to determine the role of this variant in disease. Therefore, it has been classified as a Variant of Uncertain Significance. Algorithms developed to predict the effect of missense changes on protein structure and function are either unavailable or do not agree on the potential impact of this missense change (SIFT: "Deleterious"; PolyPhen-2: "Possibly Damaging"; Align-GVGD: "Class C0"). This variant has not been reported in the literature in individuals with RYR3-related conditions. This variant is not present in population databases (ExAC no frequency). This sequence change replaces phenylalanine with valine at codon 4422 of the RYR3 protein (p.Phe4422Val). The phenylalanine residue is highly conserved and there is a small physicochemical difference between phenylalanine and valine.

NM_001036.6(RYR3):c.13264T>G (p.Phe4422Val)

Gene: RYR3 (ryanodine receptor 3; plus strand). Cytogenetic location: 15q14.
Variant type: single nucleotide variant.
Coding change: c.13264T>G on transcript NM_001036.6 (MANE Select); coding-DNA position 13264, T replaced by G.
Protein change: p.Phe4422Val; replaces phenylalanine 4422 with valine.
Molecular consequence: missense variant.
Genome position (GRCh38, 1-based): chr15:33,843,542, T>G. VCF-style: chr15-33843542-T-G. GRCh37 (hg19) VCF-style: chr15-34135743-T-G.
Other names: c.13249T>G, p.Phe4417Val (NM_001243996.4); short protein forms F4417V, F4422V.
Identifiers: ClinVar variation 946329 (VCV000946329.9), dbSNP rs986253821, ClinGen allele CA268602615.
Genomic context (GRCh38, chr15:33,843,542, plus strand): 5'-TTGCAGCATTACCTGGCCAGGAATTTCTACAACCTGAGGTTCCTTGCTCTGTTTGTAGCC[T>G]TCGCTATCAACTTCATCCTGCTTTTTTATAAGGTGATACTTCATTCAGGGGTTATTTGCT-3'
Protein context (NP_001027.3, residues 4412-4432): NLRFLALFVA[Phe4422Val]AINFILLFYK